The following is an entry in ClinVar:

ClinVar aggregate classification (germline): Pathogenic/Likely pathogenic. Review status: criteria provided, multiple submitters, no conflicts (2 of 4 stars). 5 submissions from 4 submitters: Pathogenic (2); Likely pathogenic (1). 2 of the submissions do not count toward it. Last evaluated 2025-03-21.

Conditions:
NPR2-related disorder. Also called: NPR2-related disorders; NPR2-related condition.
Short stature with nonspecific skeletal abnormalities. Identifiers: MedGen C4225399, MONDO:0975810.
Tall stature-scoliosis-macrodactyly of the great toes syndrome. Also called: Epiphyseal chondrodysplasia, miura type. Identifiers: Orphanet 329191, MedGen C4014690, MONDO:0014401, OMIM 615923.
Acromesomelic dysplasia 1, Maroteaux type (AMD1). Also called: ACROMESOMELIC DYSPLASIA 1; ST. HELENA DYSPLASIA. Identifiers: Orphanet 40, MedGen C1864356, MONDO:0011275, OMIM 602875.

Submissions (5):

Women's Health and Genetics/Laboratory Corporation of America, LabCorp
Classification: Pathogenic for NPR2-Related Disorders. Last evaluated: 2025-03-21. Review status: criteria provided, single submitter. Criteria: LabCorp Variant Classification Summary - May 2015. Collection method: clinical testing. Allele origin: germline.
Comment: Variant summary: NPR2 c.1092delT (p.Ile364MetfsX13) results in a premature termination codon, predicted to cause a truncation of the encoded protein or absence of the protein due to nonsense mediated decay, which are commonly known mechanisms for disease. The variant allele was found at a frequency of 8e-06 in 251460 control chromosomes (gnomAD). c.1092delT has been reported in the literature in at least one individual affected with NPR2-Related Disorders (Olney_2006). To our knowledge, no experimental evidence demonstrating an impact on protein function has been reported. The following publication have been ascertained in the context of this evaluation (PMID: 16384845). ClinVar contains an entry for this variant (Variation ID: 208355). Based on the evidence outlined above, the variant was classified as pathogenic.

GeneDx
Classification: Likely pathogenic. Last evaluated: 2025-02-19. Review status: criteria provided, single submitter. Criteria: GeneDx Variant Classification Process June 2021. Collection method: clinical testing. Allele origin: germline. Affected: yes.
Comment: Frameshift variant predicted to result in protein truncation or nonsense mediated decay in a gene for which loss of function is a known mechanism of disease; This variant is associated with the following publications: (PMID: 38702915, 16384845)

Labcorp Genetics (formerly Invitae), Labcorp
Classification: Pathogenic for Tall stature-scoliosis-macrodactyly of the great toes syndrome; Acromesomelic dysplasia 1, Maroteaux type. Last evaluated: 2024-06-13. Review status: criteria provided, single submitter. Criteria: Invitae Variant Classification Sherloc (09022015). Collection method: clinical testing. Allele origin: germline.
Comment: This sequence change creates a premature translational stop signal (p.Ile364Metfs*13) in the NPR2 gene. It is expected to result in an absent or disrupted protein product. Loss-of-function variants in NPR2 are known to be pathogenic (PMID: 15146390, 15572448, 16384845). This variant is present in population databases (rs779962129, gnomAD 0.007%). This premature translational stop signal has been observed in individual(s) with autosomal recessive acromesomelic dysplasia, Maroteaux type (PMID: 16384845). ClinVar contains an entry for this variant (Variation ID: 208355). For these reasons, this variant has been classified as Pathogenic.

OMIM
Classification: Pathogenic for ACROMESOMELIC DYSPLASIA 1. Last evaluated: 2006-04-01. Review status: no assertion criteria provided. Collection method: literature only. Allele origin: germline. Not counted in ClinVar's aggregate classification.

OMIM
Classification: Pathogenic for SHORT STATURE WITH NONSPECIFIC SKELETAL ABNORMALITIES 1. Last evaluated: 2006-04-01. Review status: no assertion criteria provided. Collection method: literature only. Allele origin: germline. Not counted in ClinVar's aggregate classification.

Literature cited by the submitters: PubMed 16384845 (cited by 3 submitters); PubMed 15146390 (cited by Labcorp Genetics (formerly Invitae), Labcorp and OMIM); PubMed 15572448 (cited by Labcorp Genetics (formerly Invitae), Labcorp).

NM_003995.4(NPR2):c.1092del (p.Ile364fs)

Gene: NPR2 (natriuretic peptide receptor 2; plus strand). Cytogenetic location: 9p13.3.
Variant type: Deletion.
Coding change: c.1092del on transcript NM_003995.4 (MANE Select); coding-DNA position 1092, one base deleted (T; older notation c.1092delT).
Protein change: p.Ile364fs; shifts the reading frame from isoleucine 364.
Molecular consequence: frameshift variant.
Genome position (GRCh38, 1-based): chr9:35,800,126, T deleted; the last of 2 consecutive T bases (chr9:35,800,125-35,800,126); deleting either gives the same sequence. VCF-style (leftmost placement, unchanged base first): chr9-35800124-AT-A. GRCh37 (hg19) VCF-style: chr9-35800121-AT-A.
Other names: c.1092delT (NM_003995.4); c.1092del, p.Ile364fs (NM_001378923.1); short protein forms I364fs.
Identifiers: ClinVar variation 208355 (VCV000208355.14), dbSNP rs879255257, ClinGen allele CA5051601.